The following is an entry in ClinVar:

ClinVar aggregate classification (germline): Conflicting classifications of pathogenicity. Review status: criteria provided, conflicting classifications (1 of 4 stars). 4 submissions from 4 submitters: Uncertain significance (1); Likely benign (3). Last evaluated 2026-01-25.

Conditions:
Autosomal recessive spinocerebellar ataxia 10. Identifiers: Orphanet 284289, MedGen C3150998, MONDO:0013392, OMIM 613728.

Allele frequency attached by ClinVar (database versions not stated): gnomAD exomes 0.00010 and 0.00023; ExAC 0.00032; gnomAD 0.00076 and 0.00085; TOPMed 0.00096; 1000 Genomes Project 0.00100; 1000 Genomes Project 30x 0.00109; ESP Exome Variant Server 0.00192.
gnomAD v4.1: 284 of 1,613,610 alleles (0.018%); highest among the groups gnomAD compares: African/African-American, 0.27%; 1 homozygote.

Submissions (4):

Labcorp Genetics (formerly Invitae), Labcorp
Classification: Likely benign. Last evaluated: 2026-01-25. Review status: criteria provided, single submitter. Criteria: Invitae Variant Classification Sherloc (09022015). Collection method: clinical testing. Allele origin: germline.

Athena Diagnostics
Classification: Likely benign. Last evaluated: 2024-12-30. Review status: criteria provided, single submitter. Criteria: Athena Diagnostics Criteria. Collection method: clinical testing. Allele origin: unknown.
Comment: The frequency of this variant in the general population is higher than would generally be expected for pathogenic variants in this gene. This variant has been seen where an alternate explanation for disease was also identified.

Fulgent Genetics
Classification: Uncertain significance for Autosomal recessive spinocerebellar ataxia 10. Last evaluated: 2024-05-02. Review status: criteria provided, single submitter. Criteria: ACMG Guidelines, 2015. Collection method: clinical testing. Allele origin: germline.

CeGaT Center for Human Genetics Tuebingen
Classification: Likely benign. Last evaluated: 2023-11-01. Review status: criteria provided, single submitter. Criteria: CeGaT Center For Human Genetics Tuebingen Variant Classification Criteria Version 2. Collection method: clinical testing. Allele origin: germline. Affected: yes. Observed: 1 variant allele.
Comment: ANO10: BS1

Literature cited by the submitters: PubMed 27773429 (cited by Athena Diagnostics); PubMed 24123366 (cited by Athena Diagnostics).

NM_018075.5(ANO10):c.88G>C (p.Glu30Gln)

Gene: ANO10 (anoctamin 10; minus strand). Cytogenetic location: 3p21.33.
Variant type: single nucleotide variant.
Coding change: c.88G>C on transcript NM_018075.5 (MANE Select); coding-DNA position 88, G replaced by C.
Protein change: p.Glu30Gln; replaces glutamic acid 30 with glutamine.
Molecular consequence: missense variant.
Genome position (GRCh38, 1-based): chr3:43,605,765, C>G on the plus strand (G>C on the coding strand, the complement: ANO10 is on the minus strand). VCF-style: chr3-43605765-C-G. GRCh37 (hg19) VCF-style: chr3-43647257-C-G.
Other names: c.88G>C, p.Glu30Gln (NM_001204831.3, NM_001204832.3, NM_001204833.3 and 8 more transcripts); short protein forms E30Q.
Identifiers: ClinVar variation 994503 (VCV000994503.30), dbSNP rs147605535, ClinGen allele CA2341149.